The following is an entry in ClinVar:

NM_001170629.2(CHD8):c.6816G>A (p.Ala2272=)

Genes: CHD8 (chromodomain helicase DNA binding protein 8; minus strand), LOC126861888 (CDK7 strongly-dependent group 2 enhancer GRCh37_chr14:21859227-21860426; plus strand). Cytogenetic location: 14q11.2.
Variant type: single nucleotide variant.
Coding change: c.6816G>A on transcript NM_001170629.2 (MANE Select); coding-DNA position 6816, G replaced by A.
Protein change: p.Ala2272=; no amino-acid change (alanine 2272 retained).
Molecular consequence: synonymous variant.
Genome position (GRCh38, 1-based): chr14:21,391,902, C>T on the plus strand (G>A on the coding strand, the complement: CHD8 is on the minus strand). VCF-style: chr14-21391902-C-T. GRCh37 (hg19) VCF-style: chr14-21860061-C-T.
Other names: c.5979G>A, p.Ala1993= (NM_020920.4).
Identifiers: ClinVar variation 589146 (VCV000589146.46), dbSNP rs369570478, ClinGen allele CA7090670.

ClinVar aggregate classification (germline): Likely benign. Review status: criteria provided, multiple submitters, no conflicts (2 of 4 stars). 5 submissions from 5 submitters: Likely benign (5). Last evaluated 2025-10-01.

Conditions:
Inborn genetic diseases. Identifiers: MedGen C0950123, MeSH D030342.

Allele frequency attached by ClinVar (database versions not stated): ExAC 0.00003; gnomAD exomes 0.00006; TOPMed 0.00008; gnomAD 0.00010; ESP Exome Variant Server 0.00017.
gnomAD v4.1: 184 of 1,613,824 alleles (0.011%); highest among the groups gnomAD compares: Non-Finnish European, 0.014%; no homozygotes.

Submissions (5):

CeGaT Center for Human Genetics Tuebingen
Classification: Likely benign. Last evaluated: 2025-10-01. Review status: criteria provided, single submitter. Criteria: CeGaT Center For Human Genetics Tuebingen Variant Classification Criteria Version 2. Collection method: clinical testing. Allele origin: germline. Affected: yes. Observed: 3 variant alleles.
Comment: CHD8: BP4, BP7

Labcorp Genetics (formerly Invitae), Labcorp
Classification: Likely benign. Last evaluated: 2025-01-06. Review status: criteria provided, single submitter. Criteria: Invitae Variant Classification Sherloc (09022015). Collection method: clinical testing. Allele origin: germline.

Blueprint Genetics
Classification: Likely benign. Last evaluated: 2024-09-11. Review status: criteria provided, single submitter. Criteria: ACMG Guidelines, 2015. Collection method: clinical testing. Allele origin: germline.

GeneDx
Classification: Likely benign. Last evaluated: 2020-12-02. Review status: criteria provided, single submitter. Criteria: GeneDx Variant Classification Process June 2021. Collection method: clinical testing. Allele origin: germline. Affected: yes.

Ambry Genetics
Classification: Likely benign for Inborn genetic diseases. Last evaluated: 2017-05-26. Review status: criteria provided, single submitter. Criteria: Ambry Variant Classification Scheme 2023. Collection method: clinical testing. Allele origin: germline.